The following is an entry in ClinVar:

NM_000038.6(APC):c.1031G>C (p.Cys344Ser)

Gene: APC (APC regulator of Wnt signaling pathway; plus strand). Cytogenetic location: 5q22.2.
Variant type: single nucleotide variant.
Coding change: c.1031G>C on transcript NM_000038.6 (MANE Select); coding-DNA position 1031, G replaced by C.
Protein change: p.Cys344Ser; replaces cysteine 344 with serine.
Molecular consequence: missense variant. On other transcripts: intron variant (4).
Genome position (GRCh38, 1-based): chr5:112,819,063, G>C. VCF-style: chr5-112819063-G-C. GRCh37 (hg19) VCF-style: chr5-112154760-G-C.
Other names: c.1031G>C, p.Cys344Ser (NM_001127510.3, NM_001354895.2, NM_001354896.2); c.977G>C, p.Cys326Ser (NM_001127511.3); c.1061G>C, p.Cys354Ser (NM_001354897.2); c.956G>C, p.Cys319Ser (NM_001354898.2); c.947G>C, p.Cys316Ser (NM_001354899.2); c.854G>C, p.Cys285Ser (NM_001354900.2, NM_001354901.2); c.182G>C, p.Cys61Ser (NM_001354906.2); c.964-206G>C (NM_001354902.2); and 3 more; short protein forms C326S, C344S, C316S, C319S, C285S, C354S, C61S.
Identifiers: ClinVar variation 184983 (VCV000184983.20), dbSNP rs786201840, ClinGen allele CA004039.
Genomic context (GRCh38, chr5:112,819,063, plus strand): 5'-CTCATGATAAGGATGATATGTCGCGAACTTTGCTAGCTATGTCTAGCTCCCAAGACAGCT[G>C]TATATCCATGCGACAGTCTGGATGTCTTCCTCTCCTCATCCAGCTTTTACATGGCAATGA-3'
Protein context (NP_000029.2, residues 334-354): LLAMSSSQDS[Cys344Ser]ISMRQSGCLP

ClinVar aggregate classification (germline): Uncertain significance. Review status: criteria provided, multiple submitters, no conflicts (2 of 4 stars). 5 submissions from 5 submitters: Uncertain significance (5). Last evaluated 2025-07-10.

Conditions:
Classic or attenuated familial adenomatous polyposis. Identifiers: MedGen CN372698, MONDO:0021057.
Hereditary cancer-predisposing syndrome. Also called: Hereditary neoplastic syndrome; Neoplastic Syndromes, Hereditary; Tumor predisposition; Hereditary Cancer Syndrome. Identifiers: Orphanet 140162, MedGen C0027672, MeSH D009386, MONDO:0015356.
Familial adenomatous polyposis 1 (FAP1). Also called: FAMILIAL ADENOMATOUS POLYPOSIS 1, ATTENUATED; POLYPOSIS, ADENOMATOUS INTESTINAL. Identifiers: MedGen C2713442, MONDO:0021056, OMIM 175100. Disease mechanism: loss of function.

Allele frequency attached by ClinVar (database versions not stated): gnomAD exomes below 0.00001.
gnomAD v4.1: 1 of 1,614,086 alleles (0.000062%); highest among the groups gnomAD compares: Non-Finnish European, 0.000085%; no homozygotes.

Submissions (5):

Ambry Genetics
Classification: Uncertain significance for Hereditary cancer-predisposing syndrome. Last evaluated: 2025-07-10. Review status: criteria provided, single submitter. Criteria: Ambry Variant Classification Scheme 2023. Collection method: clinical testing. Allele origin: germline.
Comment: The p.C344S variant (also known as c.1031G>C), located in coding exon 9 of the APC gene, results from a G to C substitution at nucleotide position 1031. The cysteine at codon 344 is replaced by serine, an amino acid with dissimilar properties. This amino acid position is highly conserved in available vertebrate species. In addition, in silico predictors for this gene do not accurately predict pathogenicity. Missense alterations in APC are not a common cause of disease (Spier I et al. Genet Med. 2024 Feb;26(2):100992). Based on the available evidence, the clinical significance of this variant remains unclear.

Labcorp Genetics (formerly Invitae), Labcorp
Classification: Uncertain significance for Familial adenomatous polyposis 1. Last evaluated: 2024-07-03. Review status: criteria provided, single submitter. Criteria: Invitae Variant Classification Sherloc (09022015). Collection method: clinical testing. Allele origin: germline.
Comment: This sequence change replaces cysteine, which is neutral and slightly polar, with serine, which is neutral and polar, at codon 344 of the APC protein (p.Cys344Ser). This variant is not present in population databases (gnomAD no frequency). This variant has not been reported in the literature in individuals affected with APC-related conditions. ClinVar contains an entry for this variant (Variation ID: 184983). Advanced modeling of protein sequence and biophysical properties (such as structural, functional, and spatial information, amino acid conservation, physicochemical variation, residue mobility, and thermodynamic stability) has been performed at Invitae for this missense variant, however the output from this modeling did not meet the statistical confidence thresholds required to predict the impact of this variant on APC protein function. In summary, the available evidence is currently insufficient to determine the role of this variant in disease. Therefore, it has been classified as a Variant of Uncertain Significance.

GeneDx
Classification: Uncertain significance. Last evaluated: 2024-06-05. Review status: criteria provided, single submitter. Criteria: GeneDx Variant Classification Process June 2021. Collection method: clinical testing. Allele origin: germline. Affected: yes.
Comment: Not observed at significant frequency in large population cohorts (gnomAD); In silico analysis supports that this missense variant has a deleterious effect on protein structure/function; Has not been previously published as pathogenic or benign to our knowledge

All of Us Research Program, National Institutes of Health
Classification: Uncertain significance for Classic or attenuated familial adenomatous polyposis. Last evaluated: 2024-02-05. Review status: criteria provided, single submitter. Criteria: ACMG Guidelines, 2015. Collection method: clinical testing. Allele origin: germline. Inheritance: Autosomal dominant inheritance. Observed: 1 variant allele, 1 heterozygote.
Comment: This missense variant replaces cysteine with serine at codon 344 of the APC protein. Computational prediction suggests that this variant may have deleterious impact on protein structure and function (internally defined REVEL score threshold >= 0.7, PMID: 27666373). To our knowledge, functional studies have not been reported for this variant. This variant has not been reported in individuals affected with APC-related disorders in the literature. This variant has not been identified in the general population by the Genome Aggregation Database (gnomAD). The available evidence is insufficient to determine the role of this variant in disease conclusively. Therefore, this variant is classified as a Variant of Uncertain Significance.

This study involves interpretation of variants in research participants for the purpose of population health screening. Participant phenotype was not available at the time of variant classification. Additional details can be found in publication PMID: 35346344, PMCID: PMC8962531

Color Diagnostics, LLC DBA Color Health
Classification: Uncertain significance for Hereditary cancer-predisposing syndrome. Last evaluated: 2023-12-05. Review status: criteria provided, single submitter. Criteria: ACMG Guidelines, 2015. Collection method: clinical testing. Allele origin: germline.
Comment: This missense variant replaces cysteine with serine at codon 344 of the APC protein. Computational prediction suggests that this variant may have deleterious impact on protein structure and function (internally defined REVEL score threshold >= 0.7, PMID: 27666373). To our knowledge, functional studies have not been reported for this variant. This variant has not been reported in individuals affected with APC-related disorders in the literature. This variant has not been identified in the general population by the Genome Aggregation Database (gnomAD). The available evidence is insufficient to determine the role of this variant in disease conclusively. Therefore, this variant is classified as a Variant of Uncertain Significance.